The following is an entry in ClinVar:

NM_003361.4(UMOD):c.1310C>G (p.Thr437Ser)

Gene: UMOD (uromodulin; minus strand). Cytogenetic location: 16p12.3.
Variant type: single nucleotide variant.
Coding change: c.1310C>G on transcript NM_003361.4 (MANE Select); coding-DNA position 1310, C replaced by G.
Protein change: p.Thr437Ser; replaces threonine 437 with serine.
Molecular consequence: missense variant. On other transcripts: non-coding transcript variant (1).
Genome position (GRCh38, 1-based): chr16:20,344,045, G>C on the plus strand (C>G on the coding strand, the complement: UMOD is on the minus strand). VCF-style: chr16-20344045-G-C. GRCh37 (hg19) VCF-style: chr16-20355367-G-C.
Other names: c.1310C>G, p.Thr437Ser (NM_001378233.1, NM_001378234.1, NM_001378235.1 and 3 more transcripts); c.1409C>G, p.Thr470Ser (NM_001278614.2); short protein forms T437S, T470S.
Identifiers: ClinVar variation 3330945 (VCV003330945.3).
Genomic context (GRCh38, chr16:20,344,045, plus strand): 5'-GAACCATCTAGGGGCCCTAGGGACCCTCTCTGGCCACACCTGACCATTGGCTGTAGGGCG[G>C]TCTTCAGGCTGACTTTCATGTCCAGGGGGTAGGAGCATGCAAAGTTGATTTTGATGTTGA-3'
Protein context (NP_003352.2, residues 427-447): YPLDMKVSLK[Thr437Ser]ALQPMVSALN

ClinVar aggregate classification (germline): Uncertain significance. Review status: criteria provided, multiple submitters, no conflicts (2 of 4 stars). 2 submissions from 2 submitters: Uncertain significance (2). Last evaluated 2024-09-23.

Conditions:
Inborn genetic diseases. Identifiers: MedGen C0950123, MeSH D030342.

gnomAD v4.1: 128 of 1,613,824 alleles (0.0079%); highest among the groups gnomAD compares: Non-Finnish European, 0.0096%; no homozygotes.

Submissions (2):

Labcorp Genetics (formerly Invitae), Labcorp
Classification: Uncertain significance. Last evaluated: 2024-09-23. Review status: criteria provided, single submitter. Criteria: Invitae Variant Classification Sherloc (09022015). Collection method: clinical testing. Allele origin: germline.
Comment: This sequence change replaces threonine, which is neutral and polar, with serine, which is neutral and polar, at codon 437 of the UMOD protein (p.Thr437Ser). This variant is present in population databases (rs769772382, gnomAD 0.008%). This variant has not been reported in the literature in individuals affected with UMOD-related conditions. Invitae Evidence Modeling of protein sequence and biophysical properties (such as structural, functional, and spatial information, amino acid conservation, physicochemical variation, residue mobility, and thermodynamic stability) indicates that this missense variant is not expected to disrupt UMOD protein function with a negative predictive value of 95%. In summary, the available evidence is currently insufficient to determine the role of this variant in disease. Therefore, it has been classified as a Variant of Uncertain Significance.

Ambry Genetics
Classification: Uncertain significance for Inborn genetic diseases. Last evaluated: 2024-04-01. Review status: criteria provided, single submitter. Criteria: Ambry Variant Classification Scheme 2023. Collection method: clinical testing. Allele origin: germline.